The following is an entry in ClinVar:

ClinVar aggregate classification (germline): Benign/Likely benign. Review status: criteria provided, multiple submitters, no conflicts (2 of 4 stars). 2 submissions from 2 submitters: Benign (1); Likely benign (1). Last evaluated 2020-10-03.

Conditions:
Primary hypomagnesemia (HOMG3). Also called: HYPOMAGNESEMIA 3, RENAL; HYPOMAGNESEMIA, FAMILIAL, WITH HYPERCALCIURIA AND NEPHROCALCINOSIS; HYPOMAGNESEMIA, ISOLATED RENAL; HYPOMAGNESEMIA, PRIMARY, DUE TO DEFECT IN RENAL TUBULAR TRANSPORT OF MAGNESIUM. Identifiers: Orphanet 31043, MedGen C0268448, MONDO:0009550, OMIM 248250.

Allele frequency attached by ClinVar (database versions not stated): gnomAD exomes 0.00150; 1000 Genomes Project 0.00919; 1000 Genomes Project 30x 0.00984; gnomAD 0.01216 and 0.01330; TOPMed 0.01366.
gnomAD v4.1: 2,491 of 586,312 alleles (0.42%); highest among the groups gnomAD compares: African/African-American, 4.3%; 54 homozygotes.

Submissions (2):

GeneDx
Classification: Likely benign. Last evaluated: 2020-10-03. Review status: criteria provided, single submitter. Criteria: GeneDx Variant Classification Process June 2021. Collection method: clinical testing. Allele origin: germline. Affected: yes.
Comment: See Variant Classification Assertion Criteria.

Illumina Laboratory Services, Illumina
Classification: Benign for Primary hypomagnesemia. Last evaluated: 2018-01-13. Review status: criteria provided, single submitter. Criteria: ICSL Variant Classification Criteria 13 December 2019. Collection method: clinical testing. Allele origin: germline.
Comment: This variant was observed in the ICSL laboratory as part of a predisposition screen in an ostensibly healthy population. It had not been previously curated by ICSL or reported in the Human Gene Mutation Database (HGMD: prior to June 1st, 2018), and was therefore a candidate for classification through an automated scoring system. Utilizing variant allele frequency, disease prevalence and penetrance estimates, and inheritance mode, an automated score was calculated to assess if this variant is too frequent to cause the disease. Based on the score and internal cut-off values, a variant classified as benign is not then subjected to further curation. The score for this variant resulted in a classification of benign for this disease.

NM_006580.4(CLDN16):c.*204C>T

Gene: CLDN16 (claudin 16; plus strand). Cytogenetic location: 3q28.
Variant type: single nucleotide variant.
Coding change: c.*204C>T on transcript NM_006580.4 (MANE Select); 204 bases downstream of the stop codon, C replaced by T.
Molecular consequence: 3 prime UTR variant.
Genome position (GRCh38, 1-based): chr3:190,410,240, C>T. VCF-style: chr3-190410240-C-T. GRCh37 (hg19) VCF-style: chr3-190128029-C-T.
Other names: c.*204C>T (NM_001378492.1, NM_001378493.1).
Identifiers: ClinVar variation 344453 (VCV000344453.6), dbSNP rs73053979, ClinGen allele CA10618261.